The following is an entry in ClinVar:

NM_004628.5(XPC):c.*270A>G

Gene: XPC (XPC complex subunit, DNA damage recognition and repair factor; minus strand). Cytogenetic location: 3p25.1.
Variant type: single nucleotide variant.
Coding change: c.*270A>G on transcript NM_004628.5 (MANE Select); 270 bases downstream of the stop codon, A replaced by G.
Molecular consequence: 3 prime UTR variant. On other transcripts: non-coding transcript variant (2).
Genome position (GRCh38, 1-based): chr3:14,145,671, T>C on the plus strand (A>G on the coding strand, the complement: XPC is on the minus strand). VCF-style: chr3-14145671-T-C. GRCh37 (hg19) VCF-style: chr3-14187171-T-C.
Other names: c.*270A>G (NM_001354726.2, NM_001354727.2, NM_001354729.2 and 1 more transcripts).
Identifiers: ClinVar variation 343557 (VCV000343557.5), dbSNP rs564228132, ClinGen allele CA2266974.
Genomic context (GRCh38, chr3:14,145,671, plus strand): 5'-TTTCTAAAGATGGAAAGAACAGGTCTAGGAGGCAGAAGAGTATCTCCTAGCAAAGTGTTC[T>C]GTAGCTCAAAGGGTGAGTGGGCTTTGGTAGCAAAAAGCTTTGAAGGCTTCACCCTGGGTG-3'

ClinVar aggregate classification (germline): Likely benign (1 of 4 stars; one submission).

Conditions:
Xeroderma pigmentosum, group C (XPC). Also called: Xeroderma pigmentosum, complementation group C; XERODERMA PIGMENTOSUM III; XP, GROUP C; XPC-Related Xeroderma Pigmentosum. Identifiers: Orphanet 910, MedGen C2752147, MONDO:0010211, OMIM 278720.

Allele frequency attached by ClinVar (database versions not stated): 1000 Genomes Project 30x 0.00031; 1000 Genomes Project 0.00040; gnomAD 0.00050 and 0.00060; TOPMed 0.00057; gnomAD exomes 0.00118 and 0.00161; ExAC 0.00408.
gnomAD v4.1: 751 of 699,412 alleles (0.11%); highest among the groups gnomAD compares: South Asian, 0.33%; 9 homozygotes.

Submission:

Illumina Laboratory Services, Illumina
Classification: Likely benign for Xeroderma pigmentosum, group C. Last evaluated: 2018-01-13. Review status: criteria provided, single submitter. Criteria: ICSL Variant Classification Criteria 13 December 2019. Collection method: clinical testing. Allele origin: germline.
Comment: This variant was observed in the ICSL laboratory as part of a predisposition screen in an ostensibly healthy population. It had not been previously curated by ICSL or reported in the Human Gene Mutation Database (HGMD: prior to June 1st, 2018), and was therefore a candidate for classification through an automated scoring system. Utilizing variant allele frequency, disease prevalence and penetrance estimates, and inheritance mode, an automated score was calculated to assess if this variant is too frequent to cause the disease. Based on the score and internal cut-off values, a variant classified as likely benign is not then subjected to further curation. The score for this variant resulted in a classification of likely benign for this disease.